The following is an entry in ClinVar:

ClinVar aggregate classification (germline): Uncertain significance. Review status: criteria provided, multiple submitters, no conflicts (2 of 4 stars). 2 submissions from 2 submitters: Uncertain significance (2). Last evaluated 2026-02-05.

Allele frequency attached by ClinVar (database versions not stated): gnomAD 0.00009; gnomAD exomes 0.00009.

Submissions (2):

Women's Health and Genetics/Laboratory Corporation of America, LabCorp
Classification: Uncertain significance. Last evaluated: 2026-02-05. Review status: criteria provided, single submitter. Criteria: LabCorp Variant Classification Summary - May 2015. Collection method: clinical testing. Allele origin: germline.
Comment: Variant summary: CFHR2 c.19delG (p.Val7X) results in a premature termination codon, predicted to cause a truncation of the encoded protein or absence of the protein due to nonsense mediated decay, however current evidence is not sufficient to establish loss of function as a mechanism for disease. The variant allele was found at a frequency of 0.00012 in 32770 control chromosomes. The available data on variant occurrences in the general population are insufficient to allow any conclusion about variant significance. To our knowledge, no occurrence of c.19delG in individuals affected with CFHR2-related conditions and no experimental evidence demonstrating its impact on protein function have been reported. ClinVar contains an entry for this variant (Variation ID: 2682704). Based on the evidence outlined above, the variant was classified as uncertain significance.

Mayo Clinic Laboratories, Mayo Clinic
Classification: Uncertain significance. Last evaluated: 2025-09-22. Review status: criteria provided, single submitter. Criteria: ACMG Guidelines, 2015. Collection method: clinical testing. Allele origin: germline. Observed: 39 variant alleles.

NM_005666.4(CFHR2):c.19del (p.Ser6_Val7insTer)

Gene: CFHR2 (complement factor H related 2; plus strand). Cytogenetic location: 1q31.3.
Variant type: Deletion.
Coding change: c.19del on transcript NM_005666.4 (MANE Select); coding-DNA position 19, one base deleted (G; older notation c.19delG).
Protein change: p.Ser6_Val7insTer.
Molecular consequence: nonsense.
Genome position (GRCh38, 1-based): chr1:196,943,899, G deleted. VCF-style (leftmost placement, unchanged base first): chr1-196943898-TG-T. GRCh37 (hg19) VCF-style: chr1-196913028-TG-T.
Other names: p.Val7*; c.19del, p.Ser6_Val7insTer (NM_001312672.1, NM_001410924.1); c.19delG (NM_005666.4).
Identifiers: ClinVar variation 2682704 (VCV002682704.3), dbSNP rs1180530149, ClinGen allele CA528263748.